The following is an entry in ClinVar:

ClinVar aggregate classification (germline): Uncertain significance (1 of 4 stars; one submission).

Submission:

Labcorp Genetics (formerly Invitae), Labcorp
Classification: Uncertain significance. Last evaluated: 2022-08-16. Review status: criteria provided, single submitter. Criteria: Invitae Variant Classification Sherloc (09022015). Collection method: clinical testing. Allele origin: germline.
Comment: This sequence change replaces histidine, which is basic and polar, with leucine, which is neutral and non-polar, at codon 32 of the PYROXD1 protein (p.His32Leu). This variant is not present in population databases (gnomAD no frequency). This variant has not been reported in the literature in individuals affected with PYROXD1-related conditions. ClinVar contains an entry for this variant (Variation ID: 1430680). Algorithms developed to predict the effect of missense changes on protein structure and function (SIFT, PolyPhen-2, Align-GVGD) all suggest that this variant is likely to be tolerated. In summary, the available evidence is currently insufficient to determine the role of this variant in disease. Therefore, it has been classified as a Variant of Uncertain Significance.

NM_024854.5(PYROXD1):c.95A>T (p.His32Leu)

Gene: PYROXD1 (pyridine nucleotide-disulphide oxidoreductase domain 1; plus strand). Cytogenetic location: 12p12.1.
Variant type: single nucleotide variant.
Coding change: c.95A>T on transcript NM_024854.5 (MANE Select); coding-DNA position 95, A replaced by T.
Protein change: p.His32Leu; replaces histidine 32 with leucine.
Molecular consequence: missense variant. On other transcripts: 5 prime UTR variant (2).
Genome position (GRCh38, 1-based): chr12:21,440,378, A>T. VCF-style: chr12-21440378-A-T. GRCh37 (hg19) VCF-style: chr12-21593312-A-T.
Other names: c.-119A>T (NM_001350912.2); c.-609A>T (NM_001350913.2); short protein forms H32L.
Identifiers: ClinVar variation 1430680 (VCV001430680.6), dbSNP rs2137237790, ClinGen allele CA384298640.